The following is an entry in ClinVar:

ClinVar aggregate classification (germline): Pathogenic/Likely pathogenic. Review status: criteria provided, multiple submitters, no conflicts (2 of 4 stars). 2 submissions from 2 submitters: Pathogenic (1); Likely pathogenic (1). Last evaluated 2022-09-20.

Conditions:
Perrault syndrome. Also called: Gonadal dysgenesis with auditory dysfunction, autosomal recessive inheritance. Identifiers: Orphanet 2855, MedGen C0685838, MONDO:0017312.
Bifunctional peroxisomal enzyme deficiency (DBIF). Also called: D-bifunctional protein deficiency; PBFE DEFICIENCY; DBP DEFICIENCY. Identifiers: Orphanet 300, MedGen C0342870, MONDO:0009855, OMIM 261515. Disease mechanism: loss of function.

Allele frequency attached by ClinVar (database versions not stated): gnomAD exomes below 0.00001.
gnomAD v4.1: 1 of 1,598,050 alleles (0.000063%); highest among the groups gnomAD compares: Non-Finnish European, 0.000086%; no homozygotes.

Submissions (2):

Labcorp Genetics (formerly Invitae), Labcorp
Classification: Pathogenic for Perrault syndrome; Bifunctional peroxisomal enzyme deficiency. Last evaluated: 2022-09-20. Review status: criteria provided, single submitter. Criteria: Invitae Variant Classification Sherloc (09022015). Collection method: clinical testing. Allele origin: germline.
Comment: This sequence change affects a donor splice site in intron 5 of the HSD17B4 gene. It is expected to disrupt RNA splicing. Variants that disrupt the donor or acceptor splice site typically lead to a loss of protein function (PMID: 16199547), and loss-of-function variants in HSD17B4 are known to be pathogenic (PMID: 11810648, 16385454). This variant is not present in population databases (gnomAD no frequency). Disruption of this splice site has been observed in individual(s) with D-bifunctional protein deficiency (PMID: 11810648). ClinVar contains an entry for this variant (Variation ID: 1324546). Algorithms developed to predict the effect of sequence changes on RNA splicing suggest that this variant may disrupt the consensus splice site. For these reasons, this variant has been classified as Pathogenic.

Revvity Omics, Revvity
Classification: Likely pathogenic. Last evaluated: 2020-12-09. Review status: criteria provided, single submitter. Criteria: ACMG Guidelines, 2015. Collection method: clinical testing. Allele origin: germline.

Literature cited by the submitters: PubMed 16199547 (cited by Labcorp Genetics (formerly Invitae), Labcorp); PubMed 11810648 (cited by Labcorp Genetics (formerly Invitae), Labcorp); PubMed 16385454 (cited by Labcorp Genetics (formerly Invitae), Labcorp).

NM_000414.4(HSD17B4):c.302+1G>A

Gene: HSD17B4 (hydroxysteroid 17-beta dehydrogenase 4; plus strand). Cytogenetic location: 5q23.1.
Variant type: single nucleotide variant.
Coding change: c.302+1G>A on transcript NM_000414.4 (MANE Select); the canonical splice donor site of the intron after coding-DNA position 302, G replaced by A.
Molecular consequence: splice donor variant.
Genome position (GRCh38, 1-based): chr5:119,475,728, G>A. VCF-style: chr5-119475728-G-A. GRCh37 (hg19) VCF-style: chr5-118811423-G-A.
Other names: c.-110+1G>A (NM_001374503.1, NM_001374502.1, NM_001374501.1 and 1 more transcripts); c.377+1G>A (NM_001199291.3); c.22+1G>A (NM_001374499.1); c.-237+1G>A (NM_001374500.1); c.230+1G>A (NM_001292027.2); c.302+1G>A (NM_001374498.1, NM_001374497.1); c.248+1G>A (NM_001199292.2).
Identifiers: ClinVar variation 1324546 (VCV001324546.8), dbSNP rs2126689875, ClinGen allele CA360864910.